The following is an entry in ClinVar:

ClinVar aggregate classification (germline): Uncertain significance (1 of 4 stars; one submission).

Conditions:
Pheochromocytoma/paraganglioma syndrome 4. Also called: SDHB-Related Hereditary Paraganglioma-Pheochromocytoma Syndrome (Paragangliomas 4); SDHB-Related Hereditary Paraganglioma-Pheochromocytoma Syndrome; CAROTID BODY TUMORS AND MULTIPLE EXTRAADRENAL PHEOCHROMOCYTOMAS; PARAGANGLIOMA, FAMILIAL MALIGNANT; PARAGANGLIOMAS, HEREDITARY EXTRAADRENAL; PHEOCHROMOCYTOMA, FAMILIAL EXTRAADRENAL. Identifiers: Orphanet 29072, MedGen C1861848, MONDO:0007273, OMIM 115310.
Pheochromocytoma. Also called: MAX-Related Hereditary Paraganglioma-Pheochromocytoma Syndrome. Identifiers: Orphanet 29072, MedGen C0031511, MONDO:0008233, OMIM 171300, HP:0002666.
Gastrointestinal stromal tumor. Also called: Gastrointestinal stromal tumor, somatic; Gastrointestinal stroma tumor. Identifiers: Orphanet 44890, MedGen C0238198, MeSH D046152, MONDO:0011719, OMIM 606764, HP:0100723.

Submission:

Labcorp Genetics (formerly Invitae), Labcorp
Classification: Uncertain significance for Gastrointestinal stromal tumor; Pheochromocytoma/paraganglioma syndrome 4; Pheochromocytoma. Last evaluated: 2018-07-20. Review status: criteria provided, single submitter. Criteria: Invitae Variant Classification Sherloc (09022015). Collection method: clinical testing. Allele origin: germline.
Comment: In summary, the available evidence is currently insufficient to determine the role of this variant in disease. Therefore, it has been classified as a Variant of Uncertain Significance. Experimental studies and prediction algorithms are not available for this variant, and the functional significance of the duplicated amino acids is currently unknown. This variant has not been reported in the literature in individuals with SDHB-related disease. This variant results in a copy number gain of the genomic region encompassing exons 1 to 3 of the SDHB gene. The 5' end of this event is unknown as it extends beyond the assayed region for this gene and therefore may encompass additional genes. The 3' boundary is likely confined to intron 3 of the SDHB gene. As the precise location of this event is unknown, it may be in tandem or it may be located elsewhere in the genome.

NC_000001.10:g.(?_17359545)_(17380524_?)dup

Genes: SDHB (succinate dehydrogenase complex iron sulfur subunit B; minus strand), LOC129929542 (ATAC-STARR-seq lymphoblastoid active region 277; plus strand). Cytogenetic location: 1p36.13.
Variant type: Duplication.
Identifiers: ClinVar variation 658975 (VCV000658975.13).